The following is an entry in ClinVar:

ClinVar aggregate classification (germline): Uncertain significance (1 of 4 stars; one submission).

gnomAD v4.1: 8 of 1,609,674 alleles (0.0005%); highest among the groups gnomAD compares: Admixed American, 0.0017%; no homozygotes.

Submission:

Labcorp Genetics (formerly Invitae), Labcorp
Classification: Uncertain significance. Last evaluated: 2021-12-02. Review status: criteria provided, single submitter. Criteria: Invitae Variant Classification Sherloc (09022015). Collection method: clinical testing. Allele origin: germline.
Comment: This sequence change falls in intron 76 of the HERC1 gene. It does not directly change the encoded amino acid sequence of the HERC1 protein. This variant is present in population databases (rs766725063, gnomAD 0.003%). This variant has not been reported in the literature in individuals affected with HERC1-related conditions. Algorithms developed to predict the effect of sequence changes on RNA splicing suggest that this variant may disrupt the consensus splice site. In summary, the available evidence is currently insufficient to determine the role of this variant in disease. Therefore, it has been classified as a Variant of Uncertain Significance.

NM_003922.4(HERC1):c.14095-8G>A

Gene: HERC1 (HECT and RLD domain containing E3 ubiquitin protein ligase family member 1; minus strand). Cytogenetic location: 15q22.31.
Variant type: single nucleotide variant.
Coding change: c.14095-8G>A on transcript NM_003922.4 (MANE Select); 8 bases into the intron before coding-DNA position 14095, G replaced by A.
Molecular consequence: intron variant.
Genome position (GRCh38, 1-based): chr15:63,612,564, C>T on the plus strand (G>A on the coding strand, the complement: HERC1 is on the minus strand). VCF-style: chr15-63612564-C-T. GRCh37 (hg19) VCF-style: chr15-63904763-C-T.
Identifiers: ClinVar variation 1523696 (VCV001523696.6), dbSNP rs766725063, ClinGen allele CA7603554.